The following is an entry in ClinVar:

ClinVar aggregate classification (germline): Uncertain significance. Review status: criteria provided, multiple submitters, no conflicts (2 of 4 stars). 3 submissions from 3 submitters: Uncertain significance (3). Last evaluated 2025-07-28.

Conditions:
Inborn genetic diseases. Identifiers: MedGen C0950123, MeSH D030342.
Plasminogen deficiency, type I. Also called: Hypoplasminogenemia; Type 1 plasminogen deficiency. Identifiers: Orphanet 722, MedGen C1968804, MONDO:0009009, OMIM 217090.
Angioedema, hereditary, 4. Identifiers: MedGen C5543503, MONDO:0025712, OMIM 619360.

Allele frequency attached by ClinVar (database versions not stated): gnomAD exomes 0.00001; gnomAD 0.00003; TOPMed 0.00003; ExAC 0.00004; ESP Exome Variant Server 0.00008.
gnomAD v4.1: 14 of 1,613,058 alleles (0.00087%); highest among the groups gnomAD compares: African/African-American, 0.008%; 1 homozygote.

Submissions (3):

Labcorp Genetics (formerly Invitae), Labcorp
Classification: Uncertain significance. Last evaluated: 2025-07-28. Review status: criteria provided, single submitter. Criteria: Invitae Variant Classification Sherloc (09022015). Collection method: clinical testing. Allele origin: germline.
Comment: This sequence change replaces threonine, which is neutral and polar, with isoleucine, which is neutral and non-polar, at codon 248 of the PLG protein (p.Thr248Ile). This variant is present in population databases (rs139012522, gnomAD 0.02%). This variant has not been reported in the literature in individuals affected with PLG-related conditions. ClinVar contains an entry for this variant (Variation ID: 2313770). Invitae Evidence Modeling of protein sequence and biophysical properties (such as structural, functional, and spatial information, amino acid conservation, physicochemical variation, residue mobility, and thermodynamic stability) indicates that this missense variant is not expected to disrupt PLG protein function with a negative predictive value of 80%. In summary, the available evidence is currently insufficient to determine the role of this variant in disease. Therefore, it has been classified as a Variant of Uncertain Significance.

Fulgent Genetics
Classification: Uncertain significance for Plasminogen deficiency, type I; Angioedema, hereditary, 4. Last evaluated: 2024-04-20. Review status: criteria provided, single submitter. Criteria: ACMG Guidelines, 2015. Collection method: clinical testing. Allele origin: germline.

Ambry Genetics
Classification: Uncertain significance for Inborn genetic diseases. Last evaluated: 2022-09-27. Review status: criteria provided, single submitter. Criteria: Ambry Variant Classification Scheme 2023. Collection method: clinical testing. Allele origin: germline.

NM_000301.5(PLG):c.743C>T (p.Thr248Ile)

Gene: PLG (plasminogen; plus strand). Cytogenetic location: 6q26.
Variant type: single nucleotide variant.
Coding change: c.743C>T on transcript NM_000301.5 (MANE Select); coding-DNA position 743, C replaced by T.
Protein change: p.Thr248Ile; replaces threonine 248 with isoleucine.
Molecular consequence: missense variant.
Genome position (GRCh38, 1-based): chr6:160,716,719, C>T. VCF-style: chr6-160716719-C-T. GRCh37 (hg19) VCF-style: chr6-161137751-C-T.
Other names: short protein forms T248I.
Identifiers: ClinVar variation 2313770 (VCV002313770.6), dbSNP rs139012522, ClinGen allele CA4087552.